The following is an entry in ClinVar:

ClinVar aggregate classification (germline): Likely benign. Review status: criteria provided, single submitter (1 of 4 stars). 2 submissions from 2 submitters: Likely benign (1). 1 of the submissions does not count toward it. Last evaluated 2026-01-09.

Conditions:
BBS12-related disorder. Also called: BBS12-related condition.
Bardet-Biedl syndrome (BBS). Identifiers: Orphanet 110, MedGen C0752166, MONDO:0015229.

Allele frequency attached by ClinVar (database versions not stated): gnomAD exomes below 0.00001.
gnomAD v4.1: 2 of 1,614,224 alleles (0.00012%); highest among the groups gnomAD compares: Non-Finnish European, 0.000085%; no homozygotes.

Submissions (2):

Labcorp Genetics (formerly Invitae), Labcorp
Classification: Likely benign for Bardet-Biedl syndrome. Last evaluated: 2026-01-09. Review status: criteria provided, single submitter. Criteria: Invitae Variant Classification Sherloc (09022015). Collection method: clinical testing. Allele origin: germline.

PreventionGenetics, part of Exact Sciences
Classification: Likely benign for BBS12-related condition. Last evaluated: 2021-05-05. Review status: no assertion criteria provided. Collection method: clinical testing. Allele origin: germline. Not counted in ClinVar's aggregate classification.
Comment: This variant is classified as likely benign based on ACMG/AMP sequence variant interpretation guidelines (Richards et al. 2015 PMID: 25741868, with internal and published modifications).

NM_152618.3(BBS12):c.1045T>C (p.Leu349=)

Gene: BBS12 (Bardet-Biedl syndrome 12; plus strand). Cytogenetic location: 4q27.
Variant type: single nucleotide variant.
Coding change: c.1045T>C on transcript NM_152618.3 (MANE Select); coding-DNA position 1045, T replaced by C.
Protein change: p.Leu349=; no amino-acid change (leucine 349 retained).
Molecular consequence: synonymous variant.
Genome position (GRCh38, 1-based): chr4:122,742,937, T>C. VCF-style: chr4-122742937-T-C. GRCh37 (hg19) VCF-style: chr4-123664092-T-C.
Other names: c.1045T>C, p.Leu349= (NM_001178007.2); c.1045T>C (NM_152618.2).
Identifiers: ClinVar variation 2152889 (VCV002152889.5), dbSNP rs1029412033, ClinGen allele CA105249193.
Genomic context (GRCh38, chr4:122,742,937, plus strand): 5'-TGTGTTTGTCCAGGATATATCACTGTTGTGTCAGTATCTAATAATCCTGTGATCAAGGAA[T>C]TGCAGAATCAGCCTGTGCGAATAGTTCTCATTGAGGGTGACCTCACAGAGAATTACCGCC-3'
Protein context (NP_689831.2, residues 339-359): SVSNNPVIKE[Leu349=]QNQPVRIVLI